The following is an entry in ClinVar:

ClinVar aggregate classification (germline): Uncertain significance. Review status: criteria provided, multiple submitters, no conflicts (2 of 4 stars). 2 submissions from 2 submitters: Uncertain significance (2). Last evaluated 2023-02-05.

gnomAD v4.1: 6 of 1,614,216 alleles (0.00037%); highest among the groups gnomAD compares: Non-Finnish European, 0.00051%; no homozygotes.

Submissions (2):

Labcorp Genetics (formerly Invitae), Labcorp
Classification: Uncertain significance. Last evaluated: 2023-02-05. Review status: criteria provided, single submitter. Criteria: Invitae Variant Classification Sherloc (09022015). Collection method: clinical testing. Allele origin: germline.
Comment: This sequence change replaces lysine, which is basic and polar, with isoleucine, which is neutral and non-polar, at codon 639 of the NFKB1 protein (p.Lys639Ile). This variant is not present in population databases (gnomAD no frequency). This variant has not been reported in the literature in individuals affected with NFKB1-related conditions. Advanced modeling of protein sequence and biophysical properties (such as structural, functional, and spatial information, amino acid conservation, physicochemical variation, residue mobility, and thermodynamic stability) performed at Invitae indicates that this missense variant is not expected to disrupt NFKB1 protein function. In summary, the available evidence is currently insufficient to determine the role of this variant in disease. Therefore, it has been classified as a Variant of Uncertain Significance.

Blueprint Genetics
Classification: Uncertain significance. Last evaluated: 2022-07-15. Review status: criteria provided, single submitter. Criteria: ACMG Guidelines, 2015. Collection method: clinical testing. Allele origin: germline.

NM_003998.4(NFKB1):c.1916A>T (p.Lys639Ile)

Gene: NFKB1 (nuclear factor kappa B subunit 1; plus strand). Cytogenetic location: 4q24.
Variant type: single nucleotide variant.
Coding change: c.1916A>T on transcript NM_003998.4 (MANE Select); coding-DNA position 1916, A replaced by T.
Protein change: p.Lys639Ile; replaces lysine 639 with isoleucine.
Molecular consequence: missense variant.
Genome position (GRCh38, 1-based): chr4:102,606,659, A>T. VCF-style: chr4-102606659-A-T. GRCh37 (hg19) VCF-style: chr4-103527816-A-T.
Other names: c.1913A>T, p.Lys638Ile (NM_001165412.2, NM_001319226.2, NM_001382627.1); c.1916A>T, p.Lys639Ile (NM_001382625.1, NM_001382626.1); c.1874A>T, p.Lys625Ile (NM_001382628.1); short protein forms K638I, K639I, K625I.
Identifiers: ClinVar variation 2834849 (VCV002834849.4), dbSNP rs1727763608, ClinGen allele CA357752178.